The following is an entry in ClinVar:

ClinVar aggregate classification (germline): Conflicting classifications of pathogenicity. Review status: criteria provided, conflicting classifications (1 of 4 stars). 2 submissions from 1 submitter: Pathogenic (1); Uncertain significance (1). Last evaluated 2023-09-30.

Conditions:
Cerebral cavernous malformation 3. Also called: Familial Cerebral Cavernous Malformation 3. Identifiers: Orphanet 221061, MedGen C1864040, MONDO:0011305, OMIM 603285.
Familial encephalopathy with neuroserpin inclusion bodies. Also called: ENCEPHALOPATHY, FAMILIAL, WITH COLLINS BODIES. Identifiers: Orphanet 85110, MedGen C1858680, MONDO:0011412, OMIM 604218.

Submissions (2):

Labcorp Genetics (formerly Invitae), Labcorp
Classification: Uncertain significance for Familial encephalopathy with neuroserpin inclusion bodies. Last evaluated: 2023-09-30. Review status: criteria provided, single submitter. Criteria: Invitae Variant Classification Sherloc (09022015). Collection method: clinical testing. Allele origin: unknown.
Comment: A gross deletion of the genomic region encompassing the full coding sequence of the SERPINI1 gene has been identified. The current clinical and genetic evidence is not sufficient to establish whether loss-of-function variants in SERPINI1 cause disease. The boundaries of this event are unknown as they extend beyond the assayed region for this gene and therefore may encompass additional genes. This variant has not been reported in the literature in individuals affected with SERPINI1-related conditions. In summary, the available evidence is currently insufficient to determine the role of this variant in disease. Therefore, it has been classified as a Variant of Uncertain Significance.

Labcorp Genetics (formerly Invitae), Labcorp
Classification: Pathogenic for Cerebral cavernous malformation 3. Last evaluated: 2023-09-30. Review status: criteria provided, single submitter. Criteria: Invitae Variant Classification Sherloc (09022015). Collection method: clinical testing. Allele origin: unknown.
Comment: This variant is a gross deletion of the genomic region encompassing exon(s) 1-2 of the PDCD10 gene, which includes the initiator codon. This deletion extends beyond the assayed region for this gene and therefore may encompass additional genes. It is expected to result in an absent or disrupted protein product. Loss-of-function variants in PDCD10 are known to be pathogenic (PMID: 15543491, 18300272, 23801932). A similar copy number variant has been observed in individual(s) with cerebral cavernous malformations (PMID: 23801932). For these reasons, this variant has been classified as Pathogenic.

Literature cited by the submitters: PubMed 15543491; PubMed 18300272; PubMed 23801932.

NC_000003.11:g.(?_167437830)_(167543111_?)del

Genes: PDCD10 (programmed cell death 10; minus strand), SERPINI1 (serpin family I member 1; plus strand). Cytogenetic location: 3q26.1.
Variant type: Deletion.
Identifiers: ClinVar variation 3246888 (VCV003246888.1).